The following is an entry in ClinVar:

NM_000053.4(ATP7B):c.4110C>T (p.Ser1370=)

Gene: ATP7B (ATPase copper transporting beta; minus strand). Cytogenetic location: 13q14.3.
Variant type: single nucleotide variant.
Coding change: c.4110C>T on transcript NM_000053.4 (MANE Select); coding-DNA position 4110, C replaced by T.
Protein change: p.Ser1370=; no amino-acid change (serine 1370 retained).
Molecular consequence: synonymous variant.
Genome position (GRCh38, 1-based): chr13:51,935,607, G>A on the plus strand (C>T on the coding strand, the complement: ATP7B is on the minus strand). VCF-style: chr13-51935607-G-A. GRCh37 (hg19) VCF-style: chr13-52509743-G-A.
Other names: c.3489C>T, p.Ser1163= (NM_001005918.3); c.3777C>T, p.Ser1259= (NM_001243182.2); c.3876C>T, p.Ser1292= (NM_001330578.2); c.3858C>T, p.Ser1286= (NM_001330579.2).
Identifiers: ClinVar variation 741574 (VCV000741574.14), dbSNP rs779979628, ClinGen allele CA6988489.

ClinVar aggregate classification (germline): Likely benign. Review status: criteria provided, multiple submitters, no conflicts (2 of 4 stars). 5 submissions from 5 submitters: Likely benign (4). 1 of the submissions does not count toward it. Last evaluated 2025-12-16.

Conditions:
Wilson disease (WND). Also called: Wilson's disease. Identifiers: Orphanet 905, MedGen C0019202, MONDO:0010200, OMIM 277900. Disease mechanism: loss of function.

Allele frequency attached by ClinVar (database versions not stated): gnomAD 0.00001; TOPMed 0.00001; gnomAD exomes 0.00002 and 0.00003; ExAC 0.00005.
gnomAD v4.1: 37 of 1,613,430 alleles (0.0023%); highest among the groups gnomAD compares: Middle Eastern, 0.016%; no homozygotes.

Submissions (5):

Labcorp Genetics (formerly Invitae), Labcorp
Classification: Likely benign for Wilson disease. Last evaluated: 2025-12-16. Review status: criteria provided, single submitter. Criteria: Invitae Variant Classification Sherloc (09022015). Collection method: clinical testing. Allele origin: germline.

Blueprint Genetics
Classification: Likely benign. Last evaluated: 2024-09-13. Review status: criteria provided, single submitter. Criteria: ACMG Guidelines, 2015. Collection method: clinical testing. Allele origin: germline.

All of Us Research Program, National Institutes of Health
Classification: Likely benign for Wilson disease. Last evaluated: 2023-09-04. Review status: criteria provided, single submitter. Criteria: ACMG Guidelines, 2015. Collection method: clinical testing. Allele origin: germline. Inheritance: Autosomal recessive inheritance. Observed: 4 variant alleles, 4 heterozygotes.
Comment: This study involves interpretation of variants in research participants for the purpose of population health screening. Participant phenotype was not available at the time of variant classification. Additional details can be found in publication PMID: 35346344, PMCID: PMC8962531

Color Diagnostics, LLC DBA Color Health
Classification: Likely benign for Wilson disease. Last evaluated: 2022-06-17. Review status: criteria provided, single submitter. Criteria: ACMG Guidelines, 2015. Collection method: clinical testing. Allele origin: germline.

Natera, Inc.
Classification: Likely benign for Wilson disease. Last evaluated: 2020-09-16. Review status: no assertion criteria provided. Collection method: clinical testing. Allele origin: germline. Not counted in ClinVar's aggregate classification.